The following is an entry in ClinVar:

ClinVar aggregate classification (germline): Uncertain significance. Review status: criteria provided, multiple submitters, no conflicts (2 of 4 stars). 2 submissions from 2 submitters: Uncertain significance (2). Last evaluated 2025-04-12.

Conditions:
Tumor predisposition syndrome 3 (TPDS3). Also called: Melanoma, cutaneous malignant, susceptibility to, 10; Glioma susceptibility 9; LONG TELOMERE SYNDROME, POT1-RELATED; POT1 Tumor Predisposition. Identifiers: Orphanet 618, MedGen C4014476, MONDO:0014368, OMIM 615848.
Hereditary cancer-predisposing syndrome. Also called: Tumor predisposition; Neoplastic Syndromes, Hereditary; Hereditary Cancer Syndrome; Hereditary neoplastic syndrome. Identifiers: Orphanet 140162, MedGen C0027672, MeSH D009386, MONDO:0015356.

Submissions (2):

Ambry Genetics
Classification: Uncertain significance for Hereditary cancer-predisposing syndrome. Last evaluated: 2025-04-12. Review status: criteria provided, single submitter. Criteria: Ambry Variant Classification Scheme 2023. Collection method: clinical testing. Allele origin: germline.
Comment: The p.C621F variant (also known as c.1862G>T), located in coding exon 15 of the POT1 gene, results from a G to T substitution at nucleotide position 1862. The cysteine at codon 621 is replaced by phenylalanine, an amino acid with highly dissimilar properties. This amino acid position is conserved. In addition, the in silico prediction for this alteration is inconclusive. Based on the available evidence, the clinical significance of this variant remains unclear.

Labcorp Genetics (formerly Invitae), Labcorp
Classification: Uncertain significance for Tumor predisposition syndrome 3. Last evaluated: 2021-04-30. Review status: criteria provided, single submitter. Criteria: Invitae Variant Classification Sherloc (09022015). Collection method: clinical testing. Allele origin: germline.
Comment: In summary, the available evidence is currently insufficient to determine the role of this variant in disease. Therefore, it has been classified as a Variant of Uncertain Significance. Algorithms developed to predict the effect of missense changes on protein structure and function are either unavailable or do not agree on the potential impact of this missense change (SIFT: "Tolerated"; PolyPhen-2: "Probably Damaging"; Align-GVGD: "Class C0"). This variant has not been reported in the literature in individuals with POT1-related conditions. This variant is not present in population databases (ExAC no frequency). This sequence change replaces cysteine with phenylalanine at codon 621 of the POT1 protein (p.Cys621Phe). The cysteine residue is highly conserved and there is a large physicochemical difference between cysteine and phenylalanine.

NM_015450.3(POT1):c.1862G>T (p.Cys621Phe)

Gene: POT1 (protection of telomeres 1; minus strand). Cytogenetic location: 7q31.33.
Variant type: single nucleotide variant.
Coding change: c.1862G>T on transcript NM_015450.3 (MANE Select); coding-DNA position 1862, G replaced by T.
Protein change: p.Cys621Phe; replaces cysteine 621 with phenylalanine.
Molecular consequence: missense variant. On other transcripts: non-coding transcript variant (3).
Genome position (GRCh38, 1-based): chr7:124,824,005, C>A on the plus strand (G>T on the coding strand, the complement: POT1 is on the minus strand). VCF-style: chr7-124824005-C-A. GRCh37 (hg19) VCF-style: chr7-124464059-C-A.
Other names: c.1469G>T, p.Cys490Phe (NM_001042594.2); c.1862G>T (NM_015450.2); short protein forms C490F, C621F.
Identifiers: ClinVar variation 1392151 (VCV001392151.9), dbSNP rs2116403364, ClinGen allele CA369061138.
Genomic context (GRCh38, chr7:124,824,005, plus strand): 5'-TAAATTGGATGGCAATATTAGATTACATCTTCTGCAACTGTGGTGTCAAAAATCTGATAG[C>A]AAATTTGATTATCTGTTCCATTTGTGACATTGTATGACTTGATGAAGCATTCCAACCACG-3'
Protein context (NP_056265.2, residues 611-631): NVTNGTDNQI[Cys621Phe]YQIFDTTVAE